The following is an entry in ClinVar:

NM_005321.3(H1-4):c.335C>T (p.Ala112Val)

Gene: H1-4 (H1.4 linker histone, cluster member; plus strand). Cytogenetic location: 6p22.2.
Variant type: single nucleotide variant.
Coding change: c.335C>T on transcript NM_005321.3 (MANE Select); coding-DNA position 335, C replaced by T.
Protein change: p.Ala112Val; replaces alanine 112 with valine.
Molecular consequence: missense variant.
Genome position (GRCh38, 1-based): chr6:26,156,725, C>T. VCF-style: chr6-26156725-C-T. GRCh37 (hg19) VCF-style: chr6-26156953-C-T.
Other names: short protein forms A112V.
Identifiers: ClinVar variation 725198 (VCV000725198.28), dbSNP rs201133864, ClinGen allele CA3668042.

ClinVar aggregate classification (germline): Benign/Likely benign. Review status: criteria provided, multiple submitters, no conflicts (2 of 4 stars). 3 submissions from 3 submitters: Benign (1); Likely benign (1). 1 of the submissions does not count toward it. Last evaluated 2022-09-01.

Conditions:
H1-4-related disorder. Also called: H1-4-related condition.

Allele frequency attached by ClinVar (database versions not stated): ESP Exome Variant Server 0.00015; 1000 Genomes Project 30x 0.00031; gnomAD 0.00044 and 0.00045; ExAC 0.00048; TOPMed 0.00058.

Submissions (3):

CeGaT Center for Human Genetics Tuebingen
Classification: Benign. Last evaluated: 2022-09-01. Review status: criteria provided, single submitter. Criteria: CeGaT Center For Human Genetics Tuebingen Variant Classification Criteria Version 2. Collection method: clinical testing. Allele origin: germline. Affected: yes. Observed: 1 variant allele.
Comment: H1-4: BS1, BS2

Labcorp Genetics (formerly Invitae), Labcorp
Classification: Likely benign. Last evaluated: 2018-10-29. Review status: criteria provided, single submitter. Criteria: Invitae Variant Classification Sherloc (09022015). Collection method: clinical testing. Allele origin: germline.

PreventionGenetics, part of Exact Sciences
Classification: Likely benign for H1-4-related condition. Last evaluated: 2022-03-03. Review status: no assertion criteria provided. Collection method: clinical testing. Allele origin: germline. Not counted in ClinVar's aggregate classification.
Comment: This variant is classified as likely benign based on ACMG/AMP sequence variant interpretation guidelines (Richards et al. 2015 PMID: 25741868, with internal and published modifications).